The following is an entry in ClinVar:

ClinVar aggregate classification (germline): Uncertain significance. Review status: criteria provided, multiple submitters, no conflicts (2 of 4 stars). 2 submissions from 2 submitters: Uncertain significance (2). Last evaluated 2025-11-11.

Allele frequency attached by ClinVar (database versions not stated): gnomAD exomes below 0.00001; TOPMed below 0.00001.
gnomAD v4.1: 2 of 1,605,832 alleles (0.00012%); highest among the groups gnomAD compares: Admixed American, 0.0017%; no homozygotes.

Submissions (2):

Ambry Genetics
Classification: Uncertain significance. Last evaluated: 2025-11-11. Review status: criteria provided, single submitter. Criteria: Ambry Variant Classification Scheme 2023. Collection method: clinical testing. Allele origin: germline.
Comment: The p.E374K variant (also known as c.1120G>A), located in coding exon 11 of the SRP72 gene, results from a G to A substitution at nucleotide position 1120. The glutamic acid at codon 374 is replaced by lysine, an amino acid with similar properties. This amino acid position is conserved. In addition, this alteration is predicted to be tolerated by in silico analysis. Based on the available evidence, the clinical significance of this variant remains unclear.

GeneDx
Classification: Uncertain significance. Last evaluated: 2022-07-07. Review status: criteria provided, single submitter. Criteria: GeneDx Variant Classification Process June 2021. Collection method: clinical testing. Allele origin: germline. Affected: yes.
Comment: Not observed at significant frequency in large population cohorts (gnomAD); In silico analysis supports that this missense variant does not alter protein structure/function; Has not been previously published as pathogenic or benign to our knowledge

NM_006947.4(SRP72):c.1120G>A (p.Glu374Lys)

Gene: SRP72 (signal recognition particle 72; plus strand). Cytogenetic location: 4q12.
Variant type: single nucleotide variant.
Coding change: c.1120G>A on transcript NM_006947.4 (MANE Select); coding-DNA position 1120, G replaced by A.
Protein change: p.Glu374Lys; replaces glutamic acid 374 with lysine.
Molecular consequence: missense variant. On other transcripts: non-coding transcript variant (1).
Genome position (GRCh38, 1-based): chr4:56,486,358, G>A. VCF-style: chr4-56486358-G-A. GRCh37 (hg19) VCF-style: chr4-57352524-G-A.
Other names: c.937G>A, p.Glu313Lys (NM_001267722.2); short protein forms E374K, E313K.
Identifiers: ClinVar variation 1810564 (VCV001810564.2), dbSNP rs934210566, ClinGen allele CA97603936.